The following is an entry in ClinVar:

NM_001379500.1(COL18A1):c.3667G>A (p.Ala1223Thr)

Genes: COL18A1 (collagen type XVIII alpha 1 chain; plus strand), SLC19A1 (solute carrier family 19 member 1; minus strand). Cytogenetic location: 21q22.3.
Variant type: single nucleotide variant.
Coding change: c.3667G>A on transcript NM_001379500.1 (MANE Select); coding-DNA position 3667, G replaced by A.
Protein change: p.Ala1223Thr; replaces alanine 1223 with threonine.
Molecular consequence: missense variant.
Genome position (GRCh38, 1-based): chr21:45,510,235, G>A. VCF-style: chr21-45510235-G-A. GRCh37 (hg19) VCF-style: chr21-46930149-G-A.
Other names: c.4198G>A, p.Ala1400Thr (NM_030582.4); c.4903G>A, p.Ala1635Thr (NM_130444.3); short protein forms A1635T, A1223T, A1400T.
Identifiers: ClinVar variation 1944142 (VCV001944142.2), dbSNP rs771111249, ClinGen allele CA410501775.

ClinVar aggregate classification (germline): Uncertain significance (1 of 4 stars; one submission).

Allele frequency attached by ClinVar (database versions not stated): gnomAD exomes below 0.00001.
gnomAD v4.1: 5 of 1,606,120 alleles (0.00031%); highest among the groups gnomAD compares: Middle Eastern, 0.017%; no homozygotes.

Submission:

Labcorp Genetics (formerly Invitae), Labcorp
Classification: Uncertain significance. Last evaluated: 2022-07-15. Review status: criteria provided, single submitter. Criteria: Invitae Variant Classification Sherloc (09022015). Collection method: clinical testing. Allele origin: germline.
Comment: This sequence change replaces alanine, which is neutral and non-polar, with threonine, which is neutral and polar, at codon 1220 of the COL18A1 protein (p.Ala1220Thr). This variant is not present in population databases (gnomAD no frequency). This variant has not been reported in the literature in individuals affected with COL18A1-related conditions. Experimental studies and prediction algorithms are not available or were not evaluated, and the functional significance of this variant is currently unknown. In summary, the available evidence is currently insufficient to determine the role of this variant in disease. Therefore, it has been classified as a Variant of Uncertain Significance.